The following is an entry in ClinVar:

ClinVar aggregate classification (germline): Uncertain significance (1 of 4 stars; one submission).

Conditions:
Hereditary cancer-predisposing syndrome. Also called: Tumor predisposition; Hereditary Cancer Syndrome; Neoplastic Syndromes, Hereditary; Hereditary neoplastic syndrome. Identifiers: Orphanet 140162, MedGen C0027672, MeSH D009386, MONDO:0015356.

Submission:

Ambry Genetics
Classification: Uncertain significance for Hereditary cancer-predisposing syndrome. Last evaluated: 2022-02-12. Review status: criteria provided, single submitter. Criteria: Ambry Variant Classification Scheme 2023. Collection method: clinical testing. Allele origin: germline.
Comment: The p.A932E variant (also known as c.2795C>A), located in coding exon 12 of the MET gene, results from a C to A substitution at nucleotide position 2795. The alanine at codon 932 is replaced by glutamic acid, an amino acid with dissimilar properties. This amino acid position is conserved. In addition, this alteration is predicted to be tolerated by in silico analysis. Since supporting evidence is limited at this time, the clinical significance of this alteration remains unclear.

NM_000245.4(MET):c.2741C>A (p.Ala914Glu)

Gene: MET (MET proto-oncogene, receptor tyrosine kinase; plus strand). Cytogenetic location: 7q31.2.
Variant type: single nucleotide variant.
Coding change: c.2741C>A on transcript NM_000245.4 (MANE Select); coding-DNA position 2741, C replaced by A.
Protein change: p.Ala914Glu; replaces alanine 914 with glutamic acid.
Molecular consequence: missense variant.
Genome position (GRCh38, 1-based): chr7:116,771,508, C>A. VCF-style: chr7-116771508-C-A. GRCh37 (hg19) VCF-style: chr7-116411562-C-A.
Other names: c.2795C>A, p.Ala932Glu (NM_001127500.3); c.1451C>A, p.Ala484Glu (NM_001324402.2); short protein forms A914E, A932E, A484E.
Identifiers: ClinVar variation 1796086 (VCV001796086.2), dbSNP rs2116991412, ClinGen allele CA368986239.
Genomic context (GRCh38, chr7:116,771,508, plus strand): 5'-AAATATCTATCATGGCTAAATGCTGACTTTTCTTTATTTGTCATTTTTAGTGGAAGCAAG[C>A]AATTTCTTCAACCGTCCTTGGAAAAGTAATAGTTCAACCAGATCAGAATTTCACAGGATT-3'
Protein context (NP_000236.2, residues 904-924): NSELNIEWKQ[Ala914Glu]ISSTVLGKVI